The following is an entry in ClinVar:

ClinVar aggregate classification (germline): Likely benign. Review status: criteria provided, multiple submitters, no conflicts (2 of 4 stars). 2 submissions from 2 submitters: Likely benign (2). Last evaluated 2025-12-14.

Conditions:
Autosomal recessive limb-girdle muscular dystrophy type 2J (LGMDR10). Also called: Limb-girdle muscular dystrophy, type 2J; MUSCULAR DYSTROPHY, LIMB-GIRDLE, AUTOSOMAL RECESSIVE 10. Identifiers: Orphanet 140922, MedGen C1837342, MONDO:0012127, OMIM 608807.
Dilated cardiomyopathy 1G (CMD1G). Identifiers: Orphanet 154, MedGen C1858763, MONDO:0011400, OMIM 604145.

Allele frequency attached by ClinVar (database versions not stated): gnomAD exomes below 0.00001 and 0.00001; gnomAD 0.00001; TOPMed 0.00001; ExAC 0.00002.
gnomAD v4.1: 6 of 1,613,078 alleles (0.00037%); highest among the groups gnomAD compares: East Asian, 0.0022%; no homozygotes.

Submissions (2):

Labcorp Genetics (formerly Invitae), Labcorp
Classification: Likely benign for Dilated cardiomyopathy 1G; Autosomal recessive limb-girdle muscular dystrophy type 2J. Last evaluated: 2025-12-14. Review status: criteria provided, single submitter. Criteria: Invitae Variant Classification Sherloc (09022015). Collection method: clinical testing. Allele origin: germline.

Laboratory for Molecular Medicine, Mass General Brigham Personalized Medicine
Classification: Likely benign. Last evaluated: 2015-03-20. Review status: criteria provided, single submitter. Criteria: LMM Criteria. Collection method: clinical testing. Allele origin: germline. Observed: 1 variant allele.
Comment: c.6790+13G>A in intron 29 of TTN: This variant is not expected to have clinical significance because it is not located within the splice consensus sequence. It has been identified in 1/16418 South Asian chromosomes by the Exome Aggregation Consortium (ExAC).

NM_001267550.2(TTN):c.6790+13G>A

Gene: TTN (titin; minus strand). Cytogenetic location: 2q31.2.
Variant type: single nucleotide variant.
Coding change: c.6790+13G>A on transcript NM_001267550.2 (MANE Select); 13 bases into the intron after coding-DNA position 6790, G replaced by A.
Molecular consequence: intron variant.
Genome position (GRCh38, 1-based): chr2:178,774,908, C>T on the plus strand (G>A on the coding strand, the complement: TTN is on the minus strand). VCF-style: chr2-178774908-C-T. GRCh37 (hg19) VCF-style: chr2-179639635-C-T.
Other names: c.6790+13G>A (NM_133378.4, NM_001256850.1, NM_133379.5); c.6652+13G>A (NM_003319.4, NM_133437.4, NM_133432.3).
Identifiers: ClinVar variation 228143 (VCV000228143.13), dbSNP rs758773000, ClinGen allele CA2004977.